The following is an entry in ClinVar:

ClinVar aggregate classification (germline): Likely pathogenic (1 of 4 stars; one submission).

Conditions:
Hereditary cancer-predisposing syndrome. Also called: Neoplastic Syndromes, Hereditary; Tumor predisposition; Hereditary neoplastic syndrome; Hereditary Cancer Syndrome. Identifiers: Orphanet 140162, MedGen C0027672, MeSH D009386, MONDO:0015356.
Cardiovascular phenotype. Identifiers: MedGen CN230736.

Submission:

Ambry Genetics
Classification: Likely pathogenic for Cardiovascular phenotype; Hereditary cancer-predisposing syndrome. Last evaluated: 2023-03-20. Review status: criteria provided, single submitter. Criteria: Ambry Variant Classification Scheme 2023. Collection method: clinical testing. Allele origin: germline.
Comment: The c.2252G>T variant (also known as p.G751V), located in coding exon 19 of the NF1 gene, results from a G to T substitution at nucleotide position 2252. The glycine at codon 751 is replaced by valine, an amino acid with dissimilar properties. However, this change occurs in the first base pair of coding exon 19, which means it may have some effect on normal mRNA splicing. This alteration has been reported in multiple individuals with a clinical diagnosis or symptoms of neurofibromatosis type 1 (NF1) (Ambry internal data; van Minkelen R et al. Clin Genet, 2014 Apr;85:318-27; Koster R et al. NPJ Genom Med, 2021 Nov;6:95; Paterra R et al. Cancers (Basel), 2022 Dec;15:). This variant is considered to be rare based on population cohorts in the Genome Aggregation Database (gnomAD). This nucleotide position is highly conserved in available vertebrate species. In silico splice site analysis predicts that this alteration may weaken the native splice acceptor site. RNA studies have demonstrated that this alteration results in skipping of exon 19 (Koster R et al. NPJ Genom Med, 2021 Nov;6:95). In addition, as a missense substitution this is predicted to be deleterious by in silico analysis. Based on the majority of available evidence to date, this variant is likely to be pathogenic.

NM_001042492.3(NF1):c.2252G>T (p.Gly751Val)

Gene: NF1 (neurofibromin 1; plus strand). Cytogenetic location: 17q11.2.
Variant type: single nucleotide variant.
Coding change: c.2252G>T on transcript NM_001042492.3 (MANE Select); coding-DNA position 2252, G replaced by T.
Protein change: p.Gly751Val; replaces glycine 751 with valine.
Molecular consequence: missense variant.
Genome position (GRCh38, 1-based): chr17:31,227,218, G>T. VCF-style: chr17-31227218-G-T. GRCh37 (hg19) VCF-style: chr17-29554236-G-T.
Other names: c.2252G>T, p.Gly751Val (NM_000267.4); short protein forms G751V.
Identifiers: ClinVar variation 3237672 (VCV003237672.1), dbSNP rs2151426834.